The following is an entry in ClinVar:

NM_000038.6(APC):c.7442C>T (p.Thr2481Ile)

Gene: APC (APC regulator of Wnt signaling pathway; plus strand). Cytogenetic location: 5q22.2.
Variant type: single nucleotide variant.
Coding change: c.7442C>T on transcript NM_000038.6 (MANE Select); coding-DNA position 7442, C replaced by T.
Protein change: p.Thr2481Ile; replaces threonine 2481 with isoleucine.
Molecular consequence: missense variant.
Genome position (GRCh38, 1-based): chr5:112,843,036, C>T. VCF-style: chr5-112843036-C-T. GRCh37 (hg19) VCF-style: chr5-112178733-C-T.
Other names: c.7367C>T, p.Thr2456Ile (NM_001354898.2); c.7319C>T, p.Thr2440Ile (NM_001354900.2); c.7265C>T, p.Thr2422Ile (NM_001354901.2, NM_001407453.1); c.7169C>T, p.Thr2390Ile (NM_001354902.2); c.7139C>T, p.Thr2380Ile (NM_001354903.2, NM_001407458.1, NM_001407459.1 and 1 more transcripts); c.7358C>T, p.Thr2453Ile (NM_001354899.2); c.7442C>T, p.Thr2481Ile (NM_001127510.3, NM_001354895.2, NM_001407450.1); c.7388C>T, p.Thr2463Ile (NM_001127511.3); and 11 more; short protein forms T2097I, T2474I, T2456I, T2463I, T2491I, T2352I, T2440I, T2453I.
Identifiers: ClinVar variation 1758938 (VCV001758938.5), dbSNP rs1561615537, ClinGen allele CA16037529.

ClinVar aggregate classification (germline): Uncertain significance. Review status: criteria provided, multiple submitters, no conflicts (2 of 4 stars). 2 submissions from 2 submitters: Uncertain significance (2). Last evaluated 2024-02-13.

Conditions:
Hereditary cancer-predisposing syndrome. Also called: Neoplastic Syndromes, Hereditary; Tumor predisposition; Hereditary Cancer Syndrome; Hereditary neoplastic syndrome. Identifiers: Orphanet 140162, MedGen C0027672, MeSH D009386, MONDO:0015356.
Familial adenomatous polyposis 1 (FAP1). Also called: FAMILIAL ADENOMATOUS POLYPOSIS 1, ATTENUATED; POLYPOSIS, ADENOMATOUS INTESTINAL. Identifiers: MedGen C2713442, MONDO:0021056, OMIM 175100. Disease mechanism: loss of function.

Allele frequency attached by ClinVar (database versions not stated): gnomAD exomes below 0.00001.
gnomAD v4.1: 1 of 1,613,916 alleles (0.000062%); no homozygotes.

Submissions (2):

Labcorp Genetics (formerly Invitae), Labcorp
Classification: Uncertain significance for Familial adenomatous polyposis 1. Last evaluated: 2024-02-13. Review status: criteria provided, single submitter. Criteria: Invitae Variant Classification Sherloc (09022015). Collection method: clinical testing. Allele origin: germline.
Comment: This sequence change replaces threonine, which is neutral and polar, with isoleucine, which is neutral and non-polar, at codon 2481 of the APC protein (p.Thr2481Ile). This variant is not present in population databases (gnomAD no frequency). This variant has not been reported in the literature in individuals affected with APC-related conditions. ClinVar contains an entry for this variant (Variation ID: 1758938). Advanced modeling of protein sequence and biophysical properties (such as structural, functional, and spatial information, amino acid conservation, physicochemical variation, residue mobility, and thermodynamic stability) performed at Invitae indicates that this missense variant is not expected to disrupt APC protein function with a negative predictive value of 95%. In summary, the available evidence is currently insufficient to determine the role of this variant in disease. Therefore, it has been classified as a Variant of Uncertain Significance.

Ambry Genetics
Classification: Uncertain significance for Hereditary cancer-predisposing syndrome. Last evaluated: 2021-05-28. Review status: criteria provided, single submitter. Criteria: Ambry Variant Classification Scheme 2023. Collection method: clinical testing. Allele origin: germline.
Comment: The p.T2481I variant (also known as c.7442C>T), located in coding exon 15 of the APC gene, results from a C to T substitution at nucleotide position 7442. The threonine at codon 2481 is replaced by isoleucine, an amino acid with similar properties. This amino acid position is highly conserved in available vertebrate species. In addition, in silico predictors for this gene do not accurately predict pathogenicity. Since supporting evidence is limited at this time, the clinical significance of this alteration remains unclear.